The following is an entry in ClinVar:

NM_178452.6(DNAAF1):c.2165C>T (p.Pro722Leu)

Gene: DNAAF1 (dynein axonemal assembly factor 1; plus strand). Cytogenetic location: 16q24.1.
Variant type: single nucleotide variant.
Coding change: c.2165C>T on transcript NM_178452.6 (MANE Select); coding-DNA position 2165, C replaced by T.
Protein change: p.Pro722Leu; replaces proline 722 with leucine.
Molecular consequence: missense variant.
Genome position (GRCh38, 1-based): chr16:84,177,828, C>T. VCF-style: chr16-84177828-C-T. GRCh37 (hg19) VCF-style: chr16-84211434-C-T.
Other names: c.1457C>T, p.Pro486Leu (NM_001318756.1); short protein forms P486L, P722L.
Identifiers: ClinVar variation 2514808 (VCV002514808.5), dbSNP rs775816960, ClinGen allele CA8203190.

ClinVar aggregate classification (germline): Conflicting classifications of pathogenicity. Review status: criteria provided, conflicting classifications (1 of 4 stars). 2 submissions from 2 submitters: Uncertain significance (1); Likely benign (1). Last evaluated 2023-05-29.

Conditions:
Primary ciliary dyskinesia. Also called: Ciliary dyskinesia. Identifiers: Orphanet 244, MedGen C0008780, MONDO:0016575, HP:0012265.

gnomAD v4.1: 11 of 1,613,560 alleles (0.00068%); highest among the groups gnomAD compares: Middle Eastern, 0.016%; no homozygotes.

Submissions (2):

Labcorp Genetics (formerly Invitae), Labcorp
Classification: Uncertain significance for Primary ciliary dyskinesia. Last evaluated: 2023-05-29. Review status: criteria provided, single submitter. Criteria: Invitae Variant Classification Sherloc (09022015). Collection method: clinical testing. Allele origin: germline.
Comment: In summary, the available evidence is currently insufficient to determine the role of this variant in disease. Therefore, it has been classified as a Variant of Uncertain Significance. Algorithms developed to predict the effect of missense changes on protein structure and function output the following: SIFT: "Not Available"; PolyPhen-2: "Benign"; Align-GVGD: "Not Available". The leucine amino acid residue is found in multiple mammalian species, which suggests that this missense change does not adversely affect protein function. This variant has not been reported in the literature in individuals affected with DNAAF1-related conditions. This variant is present in population databases (rs775816960, gnomAD 0.007%). This sequence change replaces proline, which is neutral and non-polar, with leucine, which is neutral and non-polar, at codon 722 of the DNAAF1 protein (p.Pro722Leu).

Ambry Genetics
Classification: Likely benign for Primary ciliary dyskinesia. Last evaluated: 2023-03-20. Review status: criteria provided, single submitter. Criteria: Ambry Variant Classification Scheme 2023. Collection method: clinical testing. Allele origin: germline.